The following is an entry in ClinVar:

ClinVar aggregate classification (germline): Pathogenic (1 of 4 stars; one submission).

Submission:

ISCA site 17
Classification: Pathogenic. Last evaluated: 2011-08-12. Review status: criteria provided, single submitter. Criteria: Kaminsky et al. (Genet Med. 2011). Collection method: clinical testing. Allele origin: unknown. Affected: yes. Observed: 1 variant allele.
Comment: Copy number variation identified through the course of routine clinical cytogenomic testing in postnatal populations. Clinical assertions have been curated as described in Kaminsky et al. 2011.

GRCh38/hg38 10q26.3(chr10:132475849-133620674)x1

Genes: ADAM8 (ADAM metallopeptidase domain 8; minus strand), ADGRA1 (adhesion G protein-coupled receptor A1; plus strand), ADGRA1-AS1 (ADGRA1 antisense RNA 1; minus strand), CALY (calcyon neuron specific vesicular protein; minus strand), CFAP46 (cilia and flagella associated protein 46; minus strand) and 77 more. Cytogenetic location: 10q26.3.
Variant type: copy number loss.
Change: copy number 1 (one copy instead of two) of chr10:132,475,849-133,620,674 (1.14 Mb, GRCh38 coordinates, 1-based), cytogenetic band 10q26.3.
Identifiers: ClinVar variation 58854 (VCV000058854.1).